The following is an entry in ClinVar:

NM_000320.3(QDPR):c.271G>T (p.Ala91Ser)

Gene: QDPR (quinoid dihydropteridine reductase; minus strand). Cytogenetic location: 4p15.32.
Variant type: single nucleotide variant.
Coding change: c.271G>T on transcript NM_000320.3 (MANE Select); coding-DNA position 271, G replaced by T.
Protein change: p.Ala91Ser; replaces alanine 91 with serine.
Molecular consequence: missense variant. On other transcripts: non-coding transcript variant (1).
Genome position (GRCh38, 1-based): chr4:17,504,403, C>A on the plus strand (G>T on the coding strand, the complement: QDPR is on the minus strand). VCF-style: chr4-17504403-C-A. GRCh37 (hg19) VCF-style: chr4-17506026-C-A.
Other names: c.178G>T, p.Ala60Ser (NM_001306140.2); short protein forms A91S, A60S.
Identifiers: ClinVar variation 348159 (VCV000348159.8), dbSNP rs147257284, ClinGen allele CA2868165.

ClinVar aggregate classification (germline): Uncertain significance. Review status: criteria provided, multiple submitters, no conflicts (2 of 4 stars). 3 submissions from 3 submitters: Uncertain significance (3). Last evaluated 2026-02-02.

Conditions:
Dihydropteridine reductase deficiency (HPABH4C). Also called: HYPERPHENYLALANINEMIA, TETRAHYDROBIOPTERIN-DEFICIENT, DUE TO DHPR DEFICIENCY; QDPR DEFICIENCY; QUINOID DIHYDROPTERIDINE REDUCTASE DEFICIENCY; Hyperphenylalaninemia due to dihydropteridine reductase deficiency; Hyperphenylalaninemia, BH-4-deficient, C; Phenylketonuria type 2. Identifiers: Orphanet 226, Orphanet 238583, MedGen C0268465, MONDO:0009862, OMIM 261630.

Allele frequency attached by ClinVar (database versions not stated): TOPMed 0.00008; gnomAD 0.00010; gnomAD exomes 0.00014; 1000 Genomes Project 30x 0.00031; 1000 Genomes Project 0.00040.
gnomAD v4.1: 306 of 1,614,162 alleles (0.019%); highest among the groups gnomAD compares: Non-Finnish European, 0.025%; no homozygotes.

Submissions (3):

Labcorp Genetics (formerly Invitae), Labcorp
Classification: Uncertain significance for Dihydropteridine reductase deficiency. Last evaluated: 2026-02-02. Review status: criteria provided, single submitter. Criteria: Invitae Variant Classification Sherloc (09022015). Collection method: clinical testing. Allele origin: germline.
Comment: This sequence change replaces alanine, which is neutral and non-polar, with serine, which is neutral and polar, at codon 91 of the QDPR protein (p.Ala91Ser). This variant is present in population databases (rs147257284, gnomAD 0.03%). This variant has not been reported in the literature in individuals affected with QDPR-related conditions. ClinVar contains an entry for this variant (Variation ID: 348159). An algorithm developed to predict the effect of missense changes on protein structure and function (PolyPhen-2) suggests that this variant is likely to be disruptive. In summary, the available evidence is currently insufficient to determine the role of this variant in disease. Therefore, it has been classified as a Variant of Uncertain Significance.

Blueprint Genetics
Classification: Uncertain significance. Last evaluated: 2023-09-26. Review status: criteria provided, single submitter. Criteria: ACMG Guidelines, 2015. Collection method: clinical testing. Allele origin: germline.

Illumina Laboratory Services, Illumina
Classification: Uncertain significance for Dihydropteridine reductase deficiency. Last evaluated: 2018-01-12. Review status: criteria provided, single submitter. Criteria: ICSL Variant Classification Criteria 13 December 2019. Collection method: clinical testing. Allele origin: germline.